The following is an entry in ClinVar:

NM_000444.6(PHEX):c.2157_2160dup (p.Ile721fs)

Genes: PHEX (phosphate regulating endopeptidase X-linked; plus strand), PTCHD1-AS (PTCHD1 and PHEX antisense RNA; minus strand). Cytogenetic location: Xp22.11.
Variant type: Duplication.
Coding change: c.2157_2160dup on transcript NM_000444.6 (MANE Select); coding-DNA positions 2157 to 2160, 4 bases duplicated (TGCA; older notation c.2157_2160dupTGCA).
Protein change: p.Ile721fs; shifts the reading frame from isoleucine 721.
Molecular consequence: frameshift variant.
Genome position (GRCh38, 1-based): chrX:22,247,860-22,247,863, TGCA duplicated. VCF-style (leftmost placement, unchanged base first): chrX-22247859-G-GTGCA. GRCh37 (hg19) VCF-style: chrX-22265976-G-GTGCA.
Other names: c.2080_2083dup, p.Asn695fs (NM_001282754.2); short protein forms I721fs, N695fs.
Identifiers: ClinVar variation 1454242 (VCV001454242.6), dbSNP rs2147217220, ClinGen allele CA2573158553.

ClinVar aggregate classification (germline): Pathogenic (1 of 4 stars; one submission).

Submission:

Labcorp Genetics (formerly Invitae), Labcorp
Classification: Pathogenic. Last evaluated: 2021-10-07. Review status: criteria provided, single submitter. Criteria: Invitae Variant Classification Sherloc (09022015). Collection method: clinical testing. Allele origin: germline.
Comment: For these reasons, this variant has been classified as Pathogenic. This variant disrupts a region of the PHEX protein in which other variant(s) (p.Trp749Arg) have been determined to be pathogenic (PMID: 9768674, 29858904; Invitae). This suggests that this is a clinically significant region of the protein, and that variants that disrupt it are likely to be disease-causing. This variant has not been reported in the literature in individuals affected with PHEX-related conditions. This variant is not present in population databases (ExAC no frequency). This sequence change creates a premature translational stop signal (p.Ile721Cysfs*3) in the PHEX gene. While this is not anticipated to result in nonsense mediated decay, it is expected to disrupt the last 29 amino acid(s) of the PHEX protein.

Literature cited by the submitters: PubMed 9768674; PubMed 29858904.